The following is an entry in ClinVar:

ClinVar aggregate classification (germline): Uncertain significance. Review status: criteria provided, multiple submitters, no conflicts (2 of 4 stars). 2 submissions from 2 submitters: Uncertain significance (2). Last evaluated 2025-08-29.

Conditions:
Norman-Roberts syndrome (LIS2). Also called: Lissencephaly 2 (Norman-Roberts type). Identifiers: Orphanet 89844, MedGen C0796089, MONDO:0009760, OMIM 257320.
Familial temporal lobe epilepsy 7. Identifiers: Orphanet 101046, MedGen C4225327, MONDO:0014639, OMIM 616436.
Inborn genetic diseases. Identifiers: MedGen C0950123, MeSH D030342.

Allele frequency attached by ClinVar (database versions not stated): gnomAD exomes below 0.00001; ExAC 0.00002.
gnomAD v4.1: 2 of 1,614,028 alleles (0.00012%); highest among the groups gnomAD compares: Admixed American, 0.0017%; no homozygotes.

Submissions (2):

Ambry Genetics
Classification: Uncertain significance for Inborn genetic diseases. Last evaluated: 2025-08-29. Review status: criteria provided, single submitter. Criteria: Ambry Variant Classification Scheme 2023. Collection method: clinical testing. Allele origin: germline.

Labcorp Genetics (formerly Invitae), Labcorp
Classification: Uncertain significance for Familial temporal lobe epilepsy 7; Norman-Roberts syndrome. Last evaluated: 2023-05-01. Review status: criteria provided, single submitter. Criteria: Invitae Variant Classification Sherloc (09022015). Collection method: clinical testing. Allele origin: germline.
Comment: This variant has not been reported in the literature in individuals affected with RELN-related conditions. This variant is present in population databases (rs771500788, gnomAD 0.0009%). This sequence change replaces tryptophan, which is neutral and slightly polar, with leucine, which is neutral and non-polar, at codon 1970 of the RELN protein (p.Trp1970Leu). In summary, the available evidence is currently insufficient to determine the role of this variant in disease. Therefore, it has been classified as a Variant of Uncertain Significance. Advanced modeling of protein sequence and biophysical properties (such as structural, functional, and spatial information, amino acid conservation, physicochemical variation, residue mobility, and thermodynamic stability) performed at Invitae indicates that this missense variant is not expected to disrupt RELN protein function.

NM_005045.4(RELN):c.5909G>T (p.Trp1970Leu)

Gene: RELN (reelin; minus strand). Cytogenetic location: 7q22.1.
Variant type: single nucleotide variant.
Coding change: c.5909G>T on transcript NM_005045.4 (MANE Select); coding-DNA position 5909, G replaced by T.
Protein change: p.Trp1970Leu; replaces tryptophan 1970 with leucine.
Molecular consequence: missense variant.
Genome position (GRCh38, 1-based): chr7:103,553,720, C>A on the plus strand (G>T on the coding strand, the complement: RELN is on the minus strand). VCF-style: chr7-103553720-C-A. GRCh37 (hg19) VCF-style: chr7-103194167-C-A.
Other names: c.5909G>T (NM_005045.3); c.5909G>T, p.Trp1970Leu (NM_173054.3); short protein forms W1970L.
Identifiers: ClinVar variation 2939480 (VCV002939480.4), dbSNP rs771500788, ClinGen allele CA4421079.